The following is an entry in ClinVar:

NM_001041.4(SI):c.2684dup (p.Asn895fs)

Gene: SI (sucrase-isomaltase; minus strand). Cytogenetic location: 3q26.1.
Variant type: Duplication.
Coding change: c.2684dup on transcript NM_001041.4 (MANE Select); coding-DNA position 2684, one base duplicated (A; older notation c.2684dupA).
Protein change: p.Asn895fs; shifts the reading frame from asparagine 895.
Molecular consequence: frameshift variant.
Genome position (GRCh38, 1-based): chr3:165,032,574, T duplicated on the plus strand (A on the coding strand, the reverse complement: SI is on the minus strand); the first of 4 consecutive T bases (chr3:165,032,574-165,032,577); duplicating any one gives the same sequence. VCF-style (leftmost placement, unchanged base first): chr3-165032573-A-AT. GRCh37 (hg19) VCF-style: chr3-164750361-A-AT.
Other names: short protein forms N895fs.
Identifiers: ClinVar variation 3047054 (VCV003047054.3), dbSNP rs1435641758, ClinGen allele CA547856365.
Genomic context (GRCh38, chr3:165,032,573, plus strand): 5'-TGTAATTACCTGGTTAGAAGCATCATAAGTGAAATTGGAATGAGCGTTCATTGGTTGATT[A>AT]TTTTCCGCCACTCTAACTTCTGTAACACTGTCTGTCAACCCAAGGATTTTTACAGTCTGA-3'

ClinVar aggregate classification (germline): Pathogenic. Review status: criteria provided, single submitter (1 of 4 stars). 2 submissions from 2 submitters: Pathogenic (1). 1 of the submissions does not count toward it. Last evaluated 2025-10-14.

Conditions:
SI-related disorder. Also called: SI-related condition.

Submissions (2):

Labcorp Genetics (formerly Invitae), Labcorp
Classification: Pathogenic. Last evaluated: 2025-10-14. Review status: criteria provided, single submitter. Criteria: Invitae Variant Classification Sherloc (09022015). Collection method: clinical testing. Allele origin: germline.
Comment: This sequence change creates a premature translational stop signal (p.Asn895Lysfs*2) in the SI gene. It is expected to result in an absent or disrupted protein product. Loss-of-function variants in SI are known to be pathogenic (PMID: 16329100, 23103650, 25452324). This variant is present in population databases (no rsID available, gnomAD 0.01%). This variant has not been reported in the literature in individuals affected with SI-related conditions. ClinVar contains an entry for this variant (Variation ID: 3047054). Algorithms developed to predict the effect of sequence changes on RNA splicing suggest that this variant may disrupt the consensus splice site. For these reasons, this variant has been classified as Pathogenic.

PreventionGenetics, part of Exact Sciences
Classification: Likely pathogenic for SI-related condition. Last evaluated: 2024-02-10. Review status: no assertion criteria provided. Collection method: clinical testing. Allele origin: germline. Not counted in ClinVar's aggregate classification.
Comment: The SI c.2684dupA variant is predicted to result in a frameshift and premature protein termination (p.Asn895Lysfs*2). To our knowledge, this variant has not been reported in the literature. This variant is reported in 0.011% of alleles in individuals of African descent in gnomAD. Frameshift variants in SI are expected to be pathogenic. This variant is interpreted as likely pathogenic.

Literature cited by the submitters: PubMed 16329100 (cited by Labcorp Genetics (formerly Invitae), Labcorp); PubMed 23103650 (cited by Labcorp Genetics (formerly Invitae), Labcorp); PubMed 25452324 (cited by Labcorp Genetics (formerly Invitae), Labcorp).